The following is an entry in ClinVar:

NM_000478.6(ALPL):c.40C>T (p.Leu14Phe)

Gene: ALPL (alkaline phosphatase, biomineralization associated; plus strand). Cytogenetic location: 1p36.12.
Variant type: single nucleotide variant.
Coding change: c.40C>T on transcript NM_000478.6 (MANE Select); coding-DNA position 40, C replaced by T.
Protein change: p.Leu14Phe; replaces leucine 14 with phenylalanine.
Molecular consequence: missense variant. On other transcripts: intron variant (2).
Genome position (GRCh38, 1-based): chr1:21,554,121, C>T. VCF-style: chr1-21554121-C-T. GRCh37 (hg19) VCF-style: chr1-21880614-C-T.
Other names: c.40C>T (NM_000478.5); c.40C>T, p.Leu14Phe (NM_001369803.2, NM_001369804.2, NM_001369805.2); c.-104-6505C>T (NM_001127501.4); c.-54-6505C>T (NM_001177520.3); short protein forms L14F.
Identifiers: ClinVar variation 382314 (VCV000382314.21), dbSNP rs139214514, ClinGen allele CA666361.

ClinVar aggregate classification (germline): Uncertain significance. Review status: criteria provided, multiple submitters, no conflicts (2 of 4 stars). 8 submissions from 8 submitters: Uncertain significance (7). 1 of the submissions does not count toward it. Last evaluated 2026-09-01.

Conditions:
ALPL-related disorder. Also called: ALPL-related disorders; ALPL-related condition.
Hypophosphatasia. Also called: Phosphoethanol-aminuria. Identifiers: Orphanet 436, MedGen C0020630, MeSH D007014, MONDO:0018570.

Allele frequency attached by ClinVar (database versions not stated): gnomAD exomes 0.00004; TOPMed 0.00004; ExAC 0.00005; gnomAD 0.00006 and 0.00007; ESP Exome Variant Server 0.00015.
gnomAD v4.1: 70 of 1,613,748 alleles (0.0043%); highest among the groups gnomAD compares: Non-Finnish European, 0.0051%; no homozygotes.

Submissions (8):

Genomenon, Inc
Classification: Uncertain significance for Hypophosphatasia. Last evaluated: 2026-09-01. Review status: criteria provided, single submitter. Criteria: Genomenon Sequence Variant Interpretation Standards - Updated. Collection method: curation. Allele origin: germline. Affected: no.
Comment: ALPL p.Leu14Phe (c.40C>T) is a missense variant that changes the amino acid at codon 14 from Leucine to Phenylalanine. This variant has been reported in the published literature (PMID:32160374). It is absent or not present at a significant frequency in gnomAD. In silico models predict that this variant is not damaging. In conclusion, we classify ALPL p.Leu14Phe (c.40C>T) as a variant of uncertain significance.

PreventionGenetics, part of Exact Sciences
Classification: Uncertain significance for ALPL-related condition. Last evaluated: 2025-12-10. Review status: criteria provided, single submitter. Criteria: ACMG Guidelines, 2015. Collection method: clinical testing. Allele origin: germline.
Comment: The ALPL c.40C>T variant is predicted to result in the amino acid substitution p.Leu14Phe. To our knowledge, this variant has not been reported in the literature. This variant is reported in 0.010% of alleles in individuals of European (Non-Finnish) descent in gnomAD and is classified as uncertain in ClinVar (Variation ID: 382314). At this time, the clinical significance of this variant is uncertain due to the absence of conclusive functional and genetic evidence.

Women's Health and Genetics/Laboratory Corporation of America, LabCorp
Classification: Uncertain significance. Last evaluated: 2025-10-20. Review status: criteria provided, single submitter. Criteria: LabCorp Variant Classification Summary - May 2015. Collection method: clinical testing. Allele origin: germline.
Comment: Variant summary: ALPL c.40C>T (p.Leu14Phe) results in a non-conservative amino acid change in the encoded protein sequence. Algorithms developed to predict the effect of missense changes on protein structure and function are either unavailable or do not agree on the potential impact of this missense change. The variant allele was found at a frequency of 4e-05 in 251478 control chromosomes. This frequency is not significantly higher than estimated for disease-causing variants in ALPL, allowing no conclusion about variant significance. These data do not allow any conclusion about variant significance. At least one publication reports experimental evidence evaluating an impact on protein function and these results showed no damaging effect of this variant (Del Angel_2020). The following publications have been ascertained in the context of this evaluation (PMID: 32160374). ClinVar contains an entry for this variant (Variation ID: 382314). Based on the evidence outlined above, the variant was classified as uncertain significance.

Labcorp Genetics (formerly Invitae), Labcorp
Classification: Uncertain significance. Last evaluated: 2024-06-03. Review status: criteria provided, single submitter. Criteria: Invitae Variant Classification Sherloc (09022015). Collection method: clinical testing. Allele origin: germline.
Comment: This sequence change replaces leucine, which is neutral and non-polar, with phenylalanine, which is neutral and non-polar, at codon 14 of the ALPL protein (p.Leu14Phe). This variant is present in population databases (rs139214514, gnomAD 0.01%). This missense change has been observed in individual(s) with clinical features of ALPL-related conditions (Invitae). ClinVar contains an entry for this variant (Variation ID: 382314). Advanced modeling of protein sequence and biophysical properties (such as structural, functional, and spatial information, amino acid conservation, physicochemical variation, residue mobility, and thermodynamic stability) has been performed at Invitae for this missense variant, however the output from this modeling did not meet the statistical confidence thresholds required to predict the impact of this variant on ALPL protein function. In summary, the available evidence is currently insufficient to determine the role of this variant in disease. Therefore, it has been classified as a Variant of Uncertain Significance.

ARUP Laboratories, Molecular Genetics and Genomics, ARUP Laboratories
Classification: Uncertain significance. Last evaluated: 2023-10-20. Review status: criteria provided, single submitter. Criteria: ARUP Molecular Germline Variant Investigation Process 2024. Collection method: clinical testing. Allele origin: germline.
Comment: The ALPL c.40C>T; p.Leu14Phe variant (rs139214514), to our knowledge, is not reported in the medical literature but is reported in ClinVar (Variation ID: 382314). This variant is found in the non-Finnish European population with an allele frequency of 0.010% (13/129,162 alleles) in the Genome Aggregation Database. The leucine at codon 14 is moderately conserved, and computational analyses (SIFT, PolyPhen-2) predict that this variant is tolerated. Due to limited information, the clinical significance of this variant is uncertain at this time.

GeneDx
Classification: Uncertain significance. Last evaluated: 2016-01-13. Review status: criteria provided, single submitter. Criteria: GeneDx Variant Classification (06012015). Collection method: clinical testing. Allele origin: germline. Affected: yes.
Comment: The L14F variant in the ALPL gene has not been reported previously as a pathogenic variant, nor as a benign variant, to our knowledge. The L14F variant was not observed at any significant frequency in approximately 6500 individuals of European and African American ancestry in the NHLBI Exome Sequencing Project, indicating it is not a common benign variant in these populations. The L14F variant is a conservative amino acid substitution, which is not likely to impact secondary protein structure as these residues share similar properties. This substitution occurs at a position that is not conserved. In silico analysis is inconsistent in its predictions as to whether or not the variant is damaging to the protein structure/function. A missense variants in nearby residue (S17F) has been reported in the Human Gene Mutation Database in association with hypophosphatasia (Stenson et al., 2014), supporting the functional importance of this region of the protein. We interpret L14F as a variant of uncertain significance.

Breakthrough Genomics
Classification: Uncertain significance. Review status: criteria provided, single submitter. Criteria: ACMG Guidelines, 2015. Collection method: not provided. Allele origin: germline. Inheritance: Autosomal recessive inheritance. Affected: yes.

Natera, Inc.
Classification: Uncertain significance for Hypophosphatasia. Last evaluated: 2019-10-28. Review status: no assertion criteria provided. Collection method: clinical testing. Allele origin: germline. Not counted in ClinVar's aggregate classification.

Literature cited by the submitters: PubMed 32160374 (cited by Genomenon, Inc and Women's Health and Genetics/Laboratory Corporation of America, LabCorp).